The following is an entry in ClinVar:

ClinVar aggregate classification (germline): Benign/Likely benign. Review status: criteria provided, multiple submitters, no conflicts (2 of 4 stars). 3 submissions from 3 submitters: Benign (1); Likely benign (2). Last evaluated 2025-07-30.

Conditions:
Hereditary cancer-predisposing syndrome. Also called: Neoplastic Syndromes, Hereditary; Hereditary neoplastic syndrome; Hereditary Cancer Syndrome; Tumor predisposition. Identifiers: Orphanet 140162, MedGen C0027672, MeSH D009386, MONDO:0015356.
BAP1-related tumor predisposition syndrome (TPDS1). Also called: BAP1 tumor predisposition syndrome; COMMON Syndrome; Tumor susceptibility linked to germline BAP1 mutations; TUMOR PREDISPOSITION SYNDROME 1. Identifiers: Orphanet 289539, MedGen C3280492, MONDO:0013692, OMIM 614327.

Submissions (3):

Labcorp Genetics (formerly Invitae), Labcorp
Classification: Likely benign for BAP1-related tumor predisposition syndrome. Last evaluated: 2025-07-30. Review status: criteria provided, single submitter. Criteria: Invitae Variant Classification Sherloc (09022015). Collection method: clinical testing. Allele origin: germline.

Myriad Genetics, Inc.
Classification: Benign for BAP1-related tumor predisposition syndrome. Last evaluated: 2024-07-11. Review status: criteria provided, single submitter. Criteria: Myriad Autosomal Dominant, Autosomal Recessive and X-Linked Classification Criteria (2023). Collection method: clinical testing. Allele origin: unknown.
Comment: This variant is considered benign. This variant is a silent/synonymous amino acid change and it is not expected to impact splicing.

Ambry Genetics
Classification: Likely benign for Hereditary cancer-predisposing syndrome. Last evaluated: 2020-02-27. Review status: criteria provided, single submitter. Criteria: Ambry Variant Classification Scheme 2023. Collection method: clinical testing. Allele origin: germline.

NM_004656.4(BAP1):c.72C>T (p.Val24=)

Gene: BAP1 (BRCA1 associated deubiquitinase 1; minus strand). Cytogenetic location: 3p21.1.
Variant type: single nucleotide variant.
Coding change: c.72C>T on transcript NM_004656.4 (MANE Select); coding-DNA position 72, C replaced by T.
Protein change: p.Val24=; no amino-acid change (valine 24 retained).
Molecular consequence: synonymous variant.
Genome position (GRCh38, 1-based): chr3:52,409,604, G>A on the plus strand (C>T on the coding strand, the complement: BAP1 is on the minus strand). VCF-style: chr3-52409604-G-A. GRCh37 (hg19) VCF-style: chr3-52443620-G-A.
Identifiers: ClinVar variation 1625073 (VCV001625073.11), dbSNP rs1264275534, ClinGen allele CA433778610.